The following is an entry in ClinVar:

ClinVar aggregate classification (germline): Uncertain significance (1 of 4 stars; one submission).

Conditions:
Hereditary cancer-predisposing syndrome. Also called: Neoplastic Syndromes, Hereditary; Hereditary Cancer Syndrome; Tumor predisposition; Hereditary neoplastic syndrome. Identifiers: Orphanet 140162, MedGen C0027672, MeSH D009386, MONDO:0015356.

gnomAD v4.1: 1 of 1,613,992 alleles (0.000062%); no homozygotes.

Submission:

Color Diagnostics, LLC DBA Color Health
Classification: Uncertain significance for Hereditary cancer-predisposing syndrome. Last evaluated: 2022-11-07. Review status: criteria provided, single submitter. Criteria: ACMG Guidelines, 2015. Collection method: clinical testing. Allele origin: germline.
Comment: This missense variant replaces valine with alanine at codon 836 of the PALB2 protein. Computational prediction suggests that this variant may not impact protein structure and function (internally defined REVEL score threshold <= 0.5, PMID: 27666373). To our knowledge, functional studies have not been reported for this variant. This variant has not been reported in individuals affected with PALB2-related disorders in the literature. This variant has not been identified in the general population by the Genome Aggregation Database (gnomAD). The available evidence is insufficient to determine the role of this variant in disease conclusively. Therefore, this variant is classified as a Variant of Uncertain Significance.

NM_024675.4(PALB2):c.2507T>C (p.Val836Ala)

Gene: PALB2 (partner and localizer of BRCA2; minus strand). Cytogenetic location: 16p12.2.
Variant type: single nucleotide variant.
Coding change: c.2507T>C on transcript NM_024675.4 (MANE Select); coding-DNA position 2507, T replaced by C.
Protein change: p.Val836Ala; replaces valine 836 with alanine.
Molecular consequence: missense variant.
Genome position (GRCh38, 1-based): chr16:23,629,647, A>G on the plus strand (T>C on the coding strand, the complement: PALB2 is on the minus strand). VCF-style: chr16-23629647-A-G. GRCh37 (hg19) VCF-style: chr16-23640968-A-G.
Other names: short protein forms V836A.
Identifiers: ClinVar variation 928360 (VCV000928360.4), dbSNP rs1060502793, ClinGen allele CA395123941.
Genomic context (GRCh38, chr16:23,629,647, plus strand): 5'-ACTAAGGCATTTCATTCCTTCAGAGAAAATTTCACAGAGGAAATGGATTGTACCTGTTCG[A>G]CGGAATGTTTATGCAGCTCCTGGCATGTGTTTCTACAGAGCTGATTTTCTTTAAAAGTGA-3'
Protein context (NP_078951.2, residues 826-846): NTCQELHKHS[Val836Ala]EQTETAELPA